The following is an entry in ClinVar:

ClinVar aggregate classification (germline): Uncertain significance. Review status: reviewed by expert panel (3 of 4 stars). 4 submissions from 4 submitters: Uncertain significance (1). 3 of the submissions do not count toward it. Last evaluated 2025-09-26.

Conditions:
Monogenic diabetes. Identifiers: Orphanet 183625, MedGen C3888631, MONDO:0015967.
Maturity-onset diabetes of the young type 3. Also called: MODY type 3; MODY, type III. Identifiers: Orphanet 552, MedGen C1838100, MeSH C563933, MONDO:0010894, OMIM 600496. Disease mechanism: loss of function.
Diabetes mellitus type 1 (T1D). Also called: Diabetes Mellitus, Juvenile-Onset; Type I diabetes mellitus. Identifiers: MedGen C0011854, MONDO:0005147, OMIM 222100, HP:0100651.
Type 2 diabetes mellitus. Also called: Type II diabetes mellitus. Identifiers: MedGen C0011860, MeSH D003924, MONDO:0005148, OMIM 125853, HP:0005978.
Hepatic adenomas, familial. Also called: LIVER CELL ADENOMAS, FAMILIAL; HEPATIC ADENOMA, SOMATIC. Identifiers: MedGen C1840646, MONDO:0007718, OMIM 142330.
Type 1 diabetes mellitus 20 (T1D20). Also called: Diabetes mellitus, insulin-dependent, 20. Identifiers: MedGen C2675866, MONDO:0012919, OMIM 612520.
Nonpapillary renal cell carcinoma. Identifiers: Orphanet 422526, MedGen CN074294, MONDO:0007763, OMIM 144700.

Allele frequency attached by ClinVar (database versions not stated): TOPMed 0.00001.
gnomAD v4.1: 15 of 1,609,934 alleles (0.00093%); highest among the groups gnomAD compares: African/African-American, 0.0053%; no homozygotes.

Submissions (4):

ClinGen Monogenic Diabetes Variant Curation Expert Panel
Classification: Uncertain significance for Monogenic diabetes. Last evaluated: 2025-09-26. Review status: reviewed by expert panel. Criteria: ClinGen Diabetes ACMG Specifications HNF1A V3.0.0. Collection method: curation. Allele origin: germline. Inheritance: Autosomal dominant inheritance.
Comment: The c.871C>A variant in the HNF1 homeobox A gene, HNF1A, causes an amino acid change of proline to threonine at codon 291 (p.(Pro291Thr)) of NM_000545.8. The Grpmax filtering allele frequency of this variant in gnomAD v4.1.0 is 0.000017, which falls between ClinGen MDEP-established cutoffs for PM2_Supporting and BS1; thus, neither criterion will be applied. This variant was identified in three unrelated individuals with non-autoimmune and non-absolute/near-absolute insulin-deficient diabetes; however, PS4 cannot be applied because this number is below the ClinGen MDEP threshold and the variant has a MAF in gnomAD that is above the PM2_Supporting cutoff (PMIDs: 18003757, 30455330; internal lab contributors). This variant was identified in an individual with a clinical history highly specific for HNF1A-monogenic diabetes (>50% MODY probability calculator result and negative HNF4A testing; negative diabetes autoantibodies) (PP4_Moderate; internal lab contributors). This variant segregated with diabetes with three informative meioses in two families (PP1_Moderate; PMID: 22432108; internal lab contributors). This variant has a REVEL score of 0.587, which is between the ClinGen MDEP thresholds for BP4 and PP3, predicting neither a damaging nor benign impact on HNF1A function. Functional studies of this variant are also inconclusive, as the variant results in transactivation activity 59.2% of WT, which falls between the cutoffs for PS3 and BS3. However, DNA binding activity and protein expression are not significantly different from WT (PMID: 18003757, Gloyn group). In summary, c.871C>A meets the criteria to be classified as a variant of uncertain significance for monogenic diabetes. ACMG/AMP criteria applied, as specified by the ClinGen MDEP (specification version 3.0.0, approved 6/30/2025): PP1_moderate, PP4_moderate.

Fulgent Genetics
Classification: Uncertain significance for Type 2 diabetes mellitus; Hepatic adenomas, familial; Nonpapillary renal cell carcinoma; Diabetes mellitus type 1; Maturity-onset diabetes of the young type 3; Type 1 diabetes mellitus 20. Last evaluated: 2024-04-18. Review status: criteria provided, single submitter. Criteria: ACMG Guidelines, 2015. Collection method: clinical testing. Allele origin: germline. Not counted in ClinVar's aggregate classification.

Labcorp Genetics (formerly Invitae), Labcorp
Classification: Uncertain significance. Last evaluated: 2022-04-15. Review status: criteria provided, single submitter. Criteria: Invitae Variant Classification Sherloc (09022015). Collection method: clinical testing. Allele origin: germline. Not counted in ClinVar's aggregate classification.
Comment: In summary, the available evidence is currently insufficient to determine the role of this variant in disease. Therefore, it has been classified as a Variant of Uncertain Significance. Advanced modeling of protein sequence and biophysical properties (such as structural, functional, and spatial information, amino acid conservation, physicochemical variation, residue mobility, and thermodynamic stability) performed at Invitae indicates that this missense variant is not expected to disrupt HNF1A protein function. ClinVar contains an entry for this variant (Variation ID: 972814). This missense change has been observed in individual(s) with maturity-onset diabetes of the young (PMID: 18003757, 30455330). This variant is present in population databases (rs151256267, gnomAD 0.003%). This sequence change replaces proline, which is neutral and non-polar, with threonine, which is neutral and polar, at codon 291 of the HNF1A protein (p.Pro291Thr).

Broad Center for Mendelian Genomics, Broad Institute of MIT and Harvard
Classification: Uncertain significance for Maturity-onset diabetes of the young type 3. Last evaluated: 2020-01-22. Review status: criteria provided, single submitter. Criteria: ACMG Guidelines, 2015. Collection method: curation. Allele origin: germline. Inheritance: Autosomal dominant inheritance. Not counted in ClinVar's aggregate classification.
Comment: The p.Pro291Thr variant in HNF1A has been reported in at least 2 European individuals with maturity-onset diabetes of the young (PMID: 18003757, 30455330), and has been identified in 0.006% (2/33380) of Latino chromosomes and 0.0009% (1/108298) of European (non-Finnish) chromosomes by the Genome Aggregation Database (gnomAD; dbSNP rs151256267). Please note that for diseases with clinical variability, or reduced penetrance, pathogenic variants may be present at a low frequency in the general population. In vitro functional studies provide some evidence that the p.Pro291Thr variant may slightly impact protein function (PMID: 30455330). However, these types of assays may not accurately represent biological function. Computational prediction tools and conservation analyses do not provide strong support for or against an impact to the protein. In summary, while there is some suspicion for a pathogenic role, the clinical significance of this variant is uncertain. ACMG/AMP Criteria applied: PS4_Supporting, PS3_Supporting (Richards 2015).

Literature cited by the submitters: PubMed 18003757 (cited by 3 submitters); PubMed 30455330 (cited by 3 submitters); PubMed 22432108 (cited by ClinGen Monogenic Diabetes Variant Curation Expert Panel).

NM_000545.8(HNF1A):c.871C>A (p.Pro291Thr)

Gene: HNF1A (HNF1 homeobox A; plus strand). Cytogenetic location: 12q24.31.
Variant type: single nucleotide variant.
Coding change: c.871C>A on transcript NM_000545.8 (MANE Select); coding-DNA position 871, C replaced by A.
Protein change: p.Pro291Thr; replaces proline 291 with threonine.
Molecular consequence: missense variant.
Genome position (GRCh38, 1-based): chr12:120,994,321, C>A. VCF-style: chr12-120994321-C-A. GRCh37 (hg19) VCF-style: chr12-121432124-C-A.
Other names: NM_000545.8(HNF1A):c.871C>A; p.Pro291Thr; c.871C>A, p.Pro291Thr (NM_001306179.2); short protein forms P291T.
Identifiers: ClinVar variation 972814 (VCV000972814.12), dbSNP rs151256267, ClinGen allele CA6831857.
Genomic context (GRCh38, chr12:120,994,321, plus strand): 5'-CGGCGCAAAGAAGAAGCCTTCCGGCACAAGCTGGCCATGGACACGTACAGCGGGCCCCCC[C>A]CAGGGCCAGGCCCGGGACCTGCGCTGCCCGCTCACAGCTCCCCTGGCCTGCCTCCACCTG-3'
Protein context (NP_000536.6, residues 281-301): LAMDTYSGPP[Pro291Thr]GPGPGPALPA